The following is an entry in ClinVar:

NM_002734.5(PRKAR1A):c.629del (p.Pro210fs)

Gene: PRKAR1A (protein kinase cAMP-dependent type I regulatory subunit alpha; plus strand). Cytogenetic location: 17q24.2.
Variant type: Deletion.
Coding change: c.629del on transcript NM_002734.5 (MANE Select); coding-DNA position 629, one base deleted (C; older notation c.629delC).
Protein change: p.Pro210fs; shifts the reading frame from proline 210.
Molecular consequence: frameshift variant.
Genome position (GRCh38, 1-based): chr17:68,525,833, C deleted; the last of 2 consecutive C bases (chr17:68,525,832-68,525,833); deleting either gives the same sequence. VCF-style (leftmost placement, unchanged base first): chr17-68525831-AC-A. GRCh37 (hg19) VCF-style: chr17-66521972-AC-A.
Other names: c.629del, p.Pro210fs (NM_001276289.2, NM_001276290.1, NM_001278433.2 and 4 more transcripts); short protein forms P210fs.
Identifiers: ClinVar variation 1456695 (VCV001456695.6), dbSNP rs2143322920, ClinGen allele CA2573154777.

ClinVar aggregate classification (germline): Pathogenic (1 of 4 stars; one submission).

Conditions:
Carney complex, type 1 (CNC1). Also called: CARNEY COMPLEX, TYPE I; CARNEY MYXOMA-ENDOCRINE COMPLEX. Identifiers: Orphanet 1359, MedGen C2607929, MONDO:0008057, OMIM 160980.

Submission:

Labcorp Genetics (formerly Invitae), Labcorp
Classification: Pathogenic for Carney complex, type 1. Last evaluated: 2021-06-17. Review status: criteria provided, single submitter. Criteria: Invitae Variant Classification Sherloc (09022015). Collection method: clinical testing. Allele origin: germline.
Comment: This variant has not been reported in the literature in individuals with PRKAR1A-related conditions. For these reasons, this variant has been classified as Pathogenic. This variant is not present in population databases (ExAC no frequency). This sequence change creates a premature translational stop signal (p.Pro210Argfs*12) in the PRKAR1A gene. It is expected to result in an absent or disrupted protein product. Loss-of-function variants in PRKAR1A are known to be pathogenic (PMID: 11115848, 19293268).

Literature cited by the submitters: PubMed 11115848; PubMed 19293268.